The following is an entry in ClinVar:

ClinVar aggregate classification (germline): Uncertain significance (1 of 4 stars; one submission).

Allele frequency attached by ClinVar (database versions not stated): gnomAD exomes below 0.00001; gnomAD 0.00001; TOPMed 0.00001.
gnomAD v4.1: 6 of 1,547,596 alleles (0.00039%); highest among the groups gnomAD compares: African/African-American, 0.0082%; no homozygotes.

Submission:

Labcorp Genetics (formerly Invitae), Labcorp
Classification: Uncertain significance. Last evaluated: 2024-02-26. Review status: criteria provided, single submitter. Criteria: Invitae Variant Classification Sherloc (09022015). Collection method: clinical testing. Allele origin: germline.
Comment: This sequence change replaces alanine, which is neutral and non-polar, with serine, which is neutral and polar, at codon 878 of the UNC80 protein (p.Ala878Ser). This variant is not present in population databases (gnomAD no frequency). This variant has not been reported in the literature in individuals affected with UNC80-related conditions. ClinVar contains an entry for this variant (Variation ID: 1978268). An algorithm developed to predict the effect of missense changes on protein structure and function (PolyPhen-2) suggests that this variant is likely to be disruptive. In summary, the available evidence is currently insufficient to determine the role of this variant in disease. Therefore, it has been classified as a Variant of Uncertain Significance.

NM_001371986.1(UNC80):c.2632G>T (p.Ala878Ser)

Gene: UNC80 (unc-80 subunit of NALCN channel complex; plus strand). Cytogenetic location: 2q34.
Variant type: single nucleotide variant.
Coding change: c.2632G>T on transcript NM_001371986.1 (MANE Select); coding-DNA position 2632, G replaced by T.
Protein change: p.Ala878Ser; replaces alanine 878 with serine.
Molecular consequence: missense variant.
Genome position (GRCh38, 1-based): chr2:209,831,448, G>T. VCF-style: chr2-209831448-G-T. GRCh37 (hg19) VCF-style: chr2-210696172-G-T.
Other names: c.2632G>T, p.Ala878Ser (NM_032504.2); c.2617G>T, p.Ala873Ser (NM_182587.4); short protein forms A878S, A873S.
Identifiers: ClinVar variation 1978268 (VCV001978268.3), dbSNP rs1265891507, ClinGen allele CA350411085.